The following is an entry in ClinVar:

NM_001127208.3(TET2):c.5090G>A (p.Gly1697Glu)

Genes: TET2 (tet methylcytosine dioxygenase 2; plus strand), TET2-AS1 (TET2 antisense RNA 1; minus strand). Cytogenetic location: 4q24.
Variant type: single nucleotide variant.
Coding change: c.5090G>A on transcript NM_001127208.3 (MANE Select); coding-DNA position 5090, G replaced by A.
Protein change: p.Gly1697Glu; replaces glycine 1697 with glutamic acid.
Molecular consequence: missense variant.
Genome position (GRCh38, 1-based): chr4:105,275,600, G>A. VCF-style: chr4-105275600-G-A. GRCh37 (hg19) VCF-style: chr4-106196757-G-A.
Other names: short protein forms G1697E.
Identifiers: ClinVar variation 4750155 (VCV004750155.1).

ClinVar aggregate classification (germline): Uncertain significance (1 of 4 stars; one submission).

gnomAD v4.1: 56 of 1,551,748 alleles (0.0036%); highest among the groups gnomAD compares: South Asian, 0.065%; 1 homozygote.

Submission:

Labcorp Genetics (formerly Invitae), Labcorp
Classification: Uncertain significance. Last evaluated: 2025-09-02. Review status: criteria provided, single submitter. Criteria: Invitae Variant Classification Sherloc (09022015). Collection method: clinical testing. Allele origin: germline.
Comment: This sequence change replaces glycine, which is neutral and non-polar, with glutamic acid, which is acidic and polar, at codon 1697 of the TET2 protein (p.Gly1697Glu). This variant is present in population databases (rs775104652, gnomAD 0.06%). This variant has not been reported in the literature in individuals affected with TET2-related conditions. An algorithm developed to predict the effect of missense changes on protein structure and function (PolyPhen-2) suggests that this variant is likely to be disruptive. In summary, the available evidence is currently insufficient to determine the role of this variant in disease. Therefore, it has been classified as a Variant of Uncertain Significance.